The following is an entry in ClinVar:

ClinVar aggregate classification (germline): Uncertain significance. Review status: criteria provided, multiple submitters, no conflicts (2 of 4 stars). 3 submissions from 3 submitters: Uncertain significance (3). Last evaluated 2020-01-10.

Conditions:
Inborn genetic diseases. Identifiers: MedGen C0950123, MeSH D030342.

Allele frequency attached by ClinVar (database versions not stated): gnomAD exomes 0.00006 and 0.00026; ExAC 0.00008; gnomAD 0.00011 and 0.00012; TOPMed 0.00013.
gnomAD v4.1: 398 of 1,589,526 alleles (0.025%); highest among the groups gnomAD compares: Non-Finnish European, 0.031%; no homozygotes.

Submissions (3):

GeneDx
Classification: Uncertain significance. Last evaluated: 2020-01-10. Review status: criteria provided, single submitter. Criteria: GeneDx Variant Classification Process June 2021. Collection method: clinical testing. Allele origin: germline. Affected: yes.
Comment: In silico analysis, which includes protein predictors and evolutionary conservation, supports that this variant does not alter protein structure/function; Has not been previously published as pathogenic or benign to our knowledge

Ambry Genetics
Classification: Uncertain significance for Inborn genetic diseases. Last evaluated: 2017-09-20. Review status: criteria provided, single submitter. Criteria: Ambry exome assertion method (8-5-2015). Collection method: clinical testing. Allele origin: germline. Affected: yes. Observed: 1 variant allele.

Breakthrough Genomics
Classification: Uncertain significance. Review status: criteria provided, single submitter. Criteria: ACMG Guidelines, 2015. Collection method: not provided. Allele origin: germline. Inheritance: Autosomal dominant inheritance. Affected: yes.

NM_001009944.3(PKD1):c.7448C>T (p.Ala2483Val)

Gene: PKD1 (polycystin 1, transient receptor potential channel interacting; minus strand). Cytogenetic location: 16p13.3.
Variant type: single nucleotide variant.
Coding change: c.7448C>T on transcript NM_001009944.3 (MANE Select); coding-DNA position 7448, C replaced by T.
Protein change: p.Ala2483Val; replaces alanine 2483 with valine.
Molecular consequence: missense variant.
Genome position (GRCh38, 1-based): chr16:2,106,439, G>A on the plus strand (C>T on the coding strand, the complement: PKD1 is on the minus strand). VCF-style: chr16-2106439-G-A. GRCh37 (hg19) VCF-style: chr16-2156440-G-A.
Other names: c.7448C>T, p.Ala2483Val (NM_000296.4); short protein forms A2483V.
Identifiers: ClinVar variation 522078 (VCV000522078.7), dbSNP rs759448663, ClinGen allele CA7831131.